The following is an entry in ClinVar:

ClinVar aggregate classification (germline): Uncertain significance (1 of 4 stars; one submission).

Submission:

Ambry Genetics
Classification: Uncertain significance. Last evaluated: 2024-12-20. Review status: criteria provided, single submitter. Criteria: Ambry Variant Classification Scheme 2023. Collection method: clinical testing. Allele origin: germline.
Comment: The p.T664N variant (also known as c.1991C>A), located in coding exon 8 of the RNF43 gene, results from a C to A substitution at nucleotide position 1991. The threonine at codon 664 is replaced by asparagine, an amino acid with similar properties. This amino acid position is conserved. In addition, this alteration is predicted to be tolerated by in silico analysis. Based on the available evidence, the clinical significance of this variant remains unclear.

NM_017763.6(RNF43):c.1991C>A (p.Thr664Asn)

Gene: RNF43 (ring finger protein 43; minus strand). Cytogenetic location: 17q22.
Variant type: single nucleotide variant.
Coding change: c.1991C>A on transcript NM_017763.6 (MANE Select); coding-DNA position 1991, C replaced by A.
Protein change: p.Thr664Asn; replaces threonine 664 with asparagine.
Molecular consequence: missense variant.
Genome position (GRCh38, 1-based): chr17:58,357,785, G>T on the plus strand (C>A on the coding strand, the complement: RNF43 is on the minus strand). VCF-style: chr17-58357785-G-T. GRCh37 (hg19) VCF-style: chr17-56435146-G-T.
Other names: c.1991C>A, p.Thr664Asn (NM_001305544.3); c.1610C>A, p.Thr537Asn (NM_001305545.2); short protein forms T664N, T537N.
Identifiers: ClinVar variation 3789860 (VCV003789860.1).